The following is an entry in ClinVar:

ClinVar aggregate classification (germline): Uncertain significance (1 of 4 stars; one submission).

Submission:

CeGaT Center for Human Genetics Tuebingen
Classification: Uncertain significance. Last evaluated: 2023-10-01. Review status: criteria provided, single submitter. Criteria: CeGaT Center For Human Genetics Tuebingen Variant Classification Criteria Version 2. Collection method: clinical testing. Allele origin: germline. Affected: yes. Observed: 1 variant allele.
Comment: ZSWIM6: PM2

NM_020928.2(ZSWIM6):c.2709G>A (p.Met903Ile)

Gene: ZSWIM6 (zinc finger SWIM-type containing 6; plus strand). Cytogenetic location: 5q12.1.
Variant type: single nucleotide variant.
Coding change: c.2709G>A on transcript NM_020928.2 (MANE Select); coding-DNA position 2709, G replaced by A.
Protein change: p.Met903Ile; replaces methionine 903 with isoleucine.
Molecular consequence: missense variant.
Genome position (GRCh38, 1-based): chr5:61,541,889, G>A. VCF-style: chr5-61541889-G-A. GRCh37 (hg19) VCF-style: chr5-60837716-G-A.
Other names: short protein forms M903I.
Identifiers: ClinVar variation 2655486 (VCV002655486.24), dbSNP rs2478401230, ClinGen allele CA359945975.